The following is an entry in ClinVar:

NM_001148.6(ANK2):c.11783T>A (p.Val3928Asp)

Gene: ANK2 (ankyrin 2; plus strand). Cytogenetic location: 4q26.
Variant type: single nucleotide variant.
Coding change: c.11783T>A on transcript NM_001148.6 (MANE Select); coding-DNA position 11783, T replaced by A.
Protein change: p.Val3928Asp; replaces valine 3928 with aspartic acid.
Molecular consequence: missense variant. On other transcripts: intron variant (9).
Genome position (GRCh38, 1-based): chr4:113,373,373, T>A. VCF-style: chr4-113373373-T-A. GRCh37 (hg19) VCF-style: chr4-114294529-T-A.
Other names: c.5501T>A, p.Val1834Asp (NM_001127493.3); c.5540T>A, p.Val1847Asp (NM_001354225.2); c.5522T>A, p.Val1841Asp (NM_001354228.2); c.5507T>A, p.Val1836Asp (NM_001354230.2); c.5663T>A, p.Val1888Asp (NM_001354231.2); c.5657T>A, p.Val1886Asp (NM_001354232.2); c.5618T>A, p.Val1873Asp (NM_001354235.2); c.5426T>A, p.Val1809Asp (NM_001354236.2); and 50 more; short protein forms V1019D, V1026D, V1031D, V1682D, V1715D, V1743D, V1748D, V1756D.
Identifiers: ClinVar variation 3625413 (VCV003625413.3).

ClinVar aggregate classification (germline): Uncertain significance. Review status: criteria provided, multiple submitters, no conflicts (2 of 4 stars). 2 submissions from 2 submitters: Uncertain significance (2). Last evaluated 2026-01-21.

Conditions:
Cardiovascular phenotype. Identifiers: MedGen CN230736.
Long QT syndrome (LQTS). Identifiers: MedGen C0023976, MeSH D008133, MONDO:0002442. Disease mechanism: loss of function. Inheritance: Various modes of inheritance.

gnomAD v4.1: 1 of 1,614,064 alleles (0.000062%); highest among the groups gnomAD compares: African/African-American, 0.0013%; no homozygotes.

Submissions (2):

Ambry Genetics
Classification: Uncertain significance for Cardiovascular phenotype. Last evaluated: 2026-01-21. Review status: criteria provided, single submitter. Criteria: Ambry Variant Classification Scheme 2023. Collection method: clinical testing. Allele origin: germline.
Comment: The p.V3928D variant (also known as c.11783T>A), located in coding exon 45 of the ANK2 gene, results from a T to A substitution at nucleotide position 11783. The valine at codon 3928 is replaced by aspartic acid, an amino acid with highly dissimilar properties. This amino acid position is conserved. In addition, the in silico prediction for this alteration is inconclusive. Based on the available evidence, the clinical significance of this variant remains unclear.

Labcorp Genetics (formerly Invitae), Labcorp
Classification: Uncertain significance for Long QT syndrome. Last evaluated: 2025-04-30. Review status: criteria provided, single submitter. Criteria: Invitae Variant Classification Sherloc (09022015). Collection method: clinical testing. Allele origin: germline.
Comment: This sequence change replaces valine, which is neutral and non-polar, with aspartic acid, which is acidic and polar, at codon 3928 of the ANK2 protein (p.Val3928Asp). This variant is present in population databases (rs764969399, gnomAD 0.007%). This variant has not been reported in the literature in individuals affected with ANK2-related conditions. ClinVar contains an entry for this variant (Variation ID: 3625413). An algorithm developed to predict the effect of missense changes on protein structure and function (PolyPhen-2) suggests that this variant is likely to be disruptive. In summary, the available evidence is currently insufficient to determine the role of this variant in disease. Therefore, it has been classified as a Variant of Uncertain Significance.